The following is an entry in ClinVar:

NM_001077365.2(POMT1):c.328C>T (p.Leu110Phe)

Gene: POMT1 (protein O-mannosyltransferase 1; plus strand). Cytogenetic location: 9q34.13.
Variant type: single nucleotide variant.
Coding change: c.328C>T on transcript NM_001077365.2 (MANE Select); coding-DNA position 328, C replaced by T.
Protein change: p.Leu110Phe; replaces leucine 110 with phenylalanine.
Molecular consequence: missense variant. On other transcripts: 5 prime UTR variant (5), non-coding transcript variant (9), intron variant (2).
Genome position (GRCh38, 1-based): chr9:131,507,415, C>T. VCF-style: chr9-131507415-C-T. GRCh37 (hg19) VCF-style: chr9-134382802-C-T.
Other names: c.166C>T, p.Leu56Phe (NM_001077366.2, NM_001353194.2, NM_001353197.2 and 3 more transcripts); c.328C>T, p.Leu110Phe (NM_001136113.2, NM_001353193.2, NM_001374690.1 and 1 more transcripts); c.-24C>T (NM_001136114.2, NM_001353195.2, NM_001353199.2 and 2 more transcripts); c.238C>T, p.Leu80Phe (NM_001353196.2); c.-29-1496C>T (NM_001374695.1); c.-30+962C>T (NM_001353200.2); short protein forms L110F, L56F, L80F.
Identifiers: ClinVar variation 538719 (VCV000538719.9), dbSNP rs1338443127, ClinGen allele CA375306276.

ClinVar aggregate classification (germline): Uncertain significance (1 of 4 stars; one submission).

Conditions:
Autosomal recessive limb-girdle muscular dystrophy type 2K. Also called: MUSCULAR DYSTROPHY-DYSTROGLYCANOPATHY (LIMB-GIRDLE), TYPE C, 1; MUSCULAR DYSTROPHY, LIMB-GIRDLE, TYPE 2K. Identifiers: Orphanet 86812, MedGen C1836373, MONDO:0012248, OMIM 609308.
Walker-Warburg congenital muscular dystrophy. Also called: Muscular dystrophy-dystroglycanopathy, type A; Walker-Warburg syndrome. Identifiers: Orphanet 899, MedGen C0265221, MONDO:0000171.
Muscular dystrophy-dystroglycanopathy (congenital with impaired intellectual development), type B, 1. Also called: Muscular dystrophy-dystroglycanopathy (congenital with intellectual disability), type B1; MUSCULAR DYSTROPHY, CONGENITAL, POMT1-RELATED. Identifiers: MedGen C5436962, MONDO:0013159, OMIM 613155.

Allele frequency attached by ClinVar (database versions not stated): gnomAD 0.00003; gnomAD exomes below 0.00001.

Submission:

Labcorp Genetics (formerly Invitae), Labcorp
Classification: Uncertain significance for Muscular dystrophy-dystroglycanopathy (congenital with impaired intellectual development), type B, 1; Walker-Warburg congenital muscular dystrophy; Autosomal recessive limb-girdle muscular dystrophy type 2K. Last evaluated: 2022-07-12. Review status: criteria provided, single submitter. Criteria: Invitae Variant Classification Sherloc (09022015). Collection method: clinical testing. Allele origin: germline.
Comment: In summary, the available evidence is currently insufficient to determine the role of this variant in disease. Therefore, it has been classified as a Variant of Uncertain Significance. Algorithms developed to predict the effect of missense changes on protein structure and function are either unavailable or do not agree on the potential impact of this missense change (SIFT: "Tolerated"; PolyPhen-2: "Possibly Damaging"; Align-GVGD: "Class C0"). ClinVar contains an entry for this variant (Variation ID: 538719). This variant has not been reported in the literature in individuals affected with POMT1-related conditions. This variant is present in population databases (no rsID available, gnomAD 0.01%). This sequence change replaces leucine, which is neutral and non-polar, with phenylalanine, which is neutral and non-polar, at codon 110 of the POMT1 protein (p.Leu110Phe).